The following is an entry in ClinVar:

NM_001379500.1(COL18A1):c.134T>C (p.Leu45Pro)

Gene: COL18A1 (collagen type XVIII alpha 1 chain; plus strand). Cytogenetic location: 21q22.3.
Variant type: single nucleotide variant.
Coding change: c.134T>C on transcript NM_001379500.1 (MANE Select); coding-DNA position 134, T replaced by C.
Protein change: p.Leu45Pro; replaces leucine 45 with proline.
Molecular consequence: missense variant.
Genome position (GRCh38, 1-based): chr21:45,468,269, T>C. VCF-style: chr21-45468269-T-C. GRCh37 (hg19) VCF-style: chr21-46888183-T-C.
Other names: c.674T>C, p.Leu225Pro (NM_030582.4); c.1379T>C, p.Leu460Pro (NM_130444.3); short protein forms L225P, L45P, L460P.
Identifiers: ClinVar variation 1054096 (VCV001054096.9), dbSNP rs763647573, ClinGen allele CA10065682.

ClinVar aggregate classification (germline): Uncertain significance. Review status: criteria provided, multiple submitters, no conflicts (2 of 4 stars). 2 submissions from 2 submitters: Uncertain significance (2). Last evaluated 2026-01-15.

Allele frequency attached by ClinVar (database versions not stated): ExAC 0.00001; gnomAD exomes 0.00001 and 0.00002; gnomAD 0.00002; TOPMed 0.00003.
gnomAD v4.1: 29 of 1,612,998 alleles (0.0018%); highest among the groups gnomAD compares: Non-Finnish European, 0.0021%; no homozygotes.

Submissions (2):

Labcorp Genetics (formerly Invitae), Labcorp
Classification: Uncertain significance. Last evaluated: 2026-01-15. Review status: criteria provided, single submitter. Criteria: Invitae Variant Classification Sherloc (09022015). Collection method: clinical testing. Allele origin: germline.
Comment: This sequence change replaces leucine, which is neutral and non-polar, with proline, which is neutral and non-polar, at codon 45 of the COL18A1 protein (p.Leu45Pro). This variant is present in population databases (rs763647573, gnomAD 0.003%). This variant has not been reported in the literature in individuals affected with COL18A1-related conditions. ClinVar contains an entry for this variant (Variation ID: 1054096). Experimental studies and prediction algorithms are not available or were not evaluated, and the functional significance of this variant is currently unknown. In summary, the available evidence is currently insufficient to determine the role of this variant in disease. Therefore, it has been classified as a Variant of Uncertain Significance.

Blueprint Genetics
Classification: Uncertain significance. Last evaluated: 2021-11-13. Review status: criteria provided, single submitter. Criteria: ACMG Guidelines, 2015. Collection method: clinical testing. Allele origin: germline.